The following is an entry in ClinVar:

ClinVar aggregate classification (germline): Conflicting classifications of pathogenicity. Review status: criteria provided, conflicting classifications (1 of 4 stars). 4 submissions from 4 submitters: Uncertain significance (2); Likely benign (1). 1 of the submissions does not count toward it. Last evaluated 2025-10-09.

Conditions:
VPS13B-related disorder. Also called: VPS13B-related condition.
Cohen syndrome (COH1). Also called: PEPPER SYNDROME; Cutis verticis gyrata, retinitis pigmentosa, and sensorineural deafness. Identifiers: Orphanet 193, MedGen C0265223, MONDO:0008999, OMIM 216550.

Submissions (4):

Labcorp Genetics (formerly Invitae), Labcorp
Classification: Uncertain significance for Cohen syndrome. Last evaluated: 2025-10-09. Review status: criteria provided, single submitter. Criteria: Invitae Variant Classification Sherloc (09022015). Collection method: clinical testing. Allele origin: germline.
Comment: This sequence change falls in intron 9 of the VPS13B gene. It does not directly change the encoded amino acid sequence of the VPS13B protein. It affects a nucleotide within the consensus splice site. This variant is not present in population databases (gnomAD no frequency). This variant has not been reported in the literature in individuals affected with VPS13B-related conditions. ClinVar contains an entry for this variant (Variation ID: 2060434). Variants that disrupt the consensus splice site are a relatively common cause of aberrant splicing (PMID: 17576681, 9536098). Algorithms developed to predict the effect of sequence changes on RNA splicing suggest that this variant is not likely to affect RNA splicing. In summary, the available evidence is currently insufficient to determine the role of this variant in disease. Therefore, it has been classified as a Variant of Uncertain Significance.

Women's Health and Genetics/Laboratory Corporation of America, LabCorp
Classification: Uncertain significance. Last evaluated: 2025-06-07. Review status: criteria provided, single submitter. Criteria: LabCorp Variant Classification Summary - May 2015. Collection method: clinical testing. Allele origin: germline.

Blueprint Genetics
Classification: Likely benign. Last evaluated: 2024-09-13. Review status: criteria provided, single submitter. Criteria: ACMG Guidelines, 2015. Collection method: clinical testing. Allele origin: germline.

PreventionGenetics, part of Exact Sciences
Classification: Likely benign for VPS13B-related condition. Last evaluated: 2023-12-21. Review status: no assertion criteria provided. Collection method: clinical testing. Allele origin: germline. Not counted in ClinVar's aggregate classification.
Comment: This variant is classified as likely benign based on ACMG/AMP sequence variant interpretation guidelines (Richards et al. 2015 PMID: 25741868, with internal and published modifications).

Literature cited by the submitters: PubMed 17576681 (cited by Labcorp Genetics (formerly Invitae), Labcorp); PubMed 9536098 (cited by Labcorp Genetics (formerly Invitae), Labcorp).

NM_152564.5(VPS13B):c.1302+6C>G

Gene: VPS13B (vacuolar protein sorting 13 homolog B; plus strand). Cytogenetic location: 8q22.2.
Variant type: single nucleotide variant.
Coding change: c.1302+6C>G on transcript NM_152564.5 (MANE Select); 6 bases into the intron after coding-DNA position 1302, C replaced by G.
Molecular consequence: intron variant.
Genome position (GRCh38, 1-based): chr8:99,134,733, C>G. VCF-style: chr8-99134733-C-G. GRCh37 (hg19) VCF-style: chr8-100146961-C-G.
Other names: c.1302+6C>G (NM_152564.4, NM_017890.5, NM_015243.3).
Identifiers: ClinVar variation 2060434 (VCV002060434.6), dbSNP rs1186459776, ClinGen allele CA583824914.